The following is an entry in ClinVar:

NM_032271.3(TRAF7):c.1571G>A (p.Arg524Gln)

Gene: TRAF7 (TNF receptor associated factor 7; plus strand). Cytogenetic location: 16p13.3.
Variant type: single nucleotide variant.
Coding change: c.1571G>A on transcript NM_032271.3 (MANE Select); coding-DNA position 1571, G replaced by A.
Protein change: p.Arg524Gln; replaces arginine 524 with glutamine.
Molecular consequence: missense variant.
Genome position (GRCh38, 1-based): chr16:2,175,567, G>A. VCF-style: chr16-2175567-G-A. GRCh37 (hg19) VCF-style: chr16-2225568-G-A.
Other names: short protein forms R524Q.
Identifiers: ClinVar variation 3730875 (VCV003730875.2).

ClinVar aggregate classification (germline): Pathogenic (1 of 4 stars; one submission).

Submission:

GeneDx
Classification: Pathogenic. Last evaluated: 2026-02-25. Review status: criteria provided, single submitter. Criteria: GeneDx Variant Classification Process June 2021. Collection method: clinical testing. Allele origin: germline.
Comment: Not observed at significant frequency in large population cohorts (gnomAD); In silico analysis supports that this missense variant has a deleterious effect on protein structure/function; Has not been previously published as pathogenic or benign to our knowledge